The following is an entry in ClinVar:

NM_022455.5(NSD1):c.7706C>G (p.Pro2569Arg)

Gene: NSD1 (nuclear receptor binding SET domain protein 1; plus strand). Cytogenetic location: 5q35.3.
Variant type: single nucleotide variant.
Coding change: c.7706C>G on transcript NM_022455.5 (MANE Select); coding-DNA position 7706, C replaced by G.
Protein change: p.Pro2569Arg; replaces proline 2569 with arginine.
Molecular consequence: missense variant.
Genome position (GRCh38, 1-based): chr5:177,295,074, C>G. VCF-style: chr5-177295074-C-G. GRCh37 (hg19) VCF-style: chr5-176722075-C-G.
Other names: c.6944C>G, p.Pro2315Arg (NM_001409307.1, NM_001409306.1); c.6833C>G, p.Pro2278Arg (NM_001409308.1, NM_172349.5, NM_001365684.2); c.6584C>G, p.Pro2195Arg (NM_001409309.1); c.7706C>G, p.Pro2569Arg (NM_001409301.1, NM_001409302.1, NM_001409303.1); c.7286C>G, p.Pro2429Arg (NM_001409304.1); c.6953C>G, p.Pro2318Arg (NM_001409305.1); short protein forms P2300R, P2315R, P2318R, P2195R, P2569R, P2278R, P2429R.
Identifiers: ClinVar variation 2003849 (VCV002003849.4), dbSNP rs2480839032, ClinGen allele CA362334199.

ClinVar aggregate classification (germline): Uncertain significance (1 of 4 stars; one submission).

Submission:

Labcorp Genetics (formerly Invitae), Labcorp
Classification: Uncertain significance. Last evaluated: 2022-07-14. Review status: criteria provided, single submitter. Criteria: Invitae Variant Classification Sherloc (09022015). Collection method: clinical testing. Allele origin: germline.
Comment: This sequence change replaces proline, which is neutral and non-polar, with arginine, which is basic and polar, at codon 2569 of the NSD1 protein (p.Pro2569Arg). This variant is not present in population databases (gnomAD no frequency). This variant has not been reported in the literature in individuals affected with NSD1-related conditions. Advanced modeling of protein sequence and biophysical properties (such as structural, functional, and spatial information, amino acid conservation, physicochemical variation, residue mobility, and thermodynamic stability) performed at Invitae indicates that this missense variant is not expected to disrupt NSD1 protein function. In summary, the available evidence is currently insufficient to determine the role of this variant in disease. Therefore, it has been classified as a Variant of Uncertain Significance.